The following is an entry in ClinVar:

ClinVar aggregate classification (germline): Pathogenic (1 of 4 stars; one submission).

Conditions:
Primary ciliary dyskinesia. Also called: Ciliary dyskinesia. Identifiers: Orphanet 244, MedGen C0008780, MONDO:0016575, HP:0012265.

Submission:

Labcorp Genetics (formerly Invitae), Labcorp
Classification: Pathogenic for Primary ciliary dyskinesia. Last evaluated: 2024-07-22. Review status: criteria provided, single submitter. Criteria: Invitae Variant Classification Sherloc (09022015). Collection method: clinical testing. Allele origin: germline.
Comment: This sequence change creates a premature translational stop signal (p.Arg4291Aspfs*13) in the DNAH11 gene. It is expected to result in an absent or disrupted protein product. Loss-of-function variants in DNAH11 are known to be pathogenic (PMID: 18022865, 20513915, 22184204). This variant is present in population databases (no rsID available, gnomAD 0.003%). This variant has not been reported in the literature in individuals affected with DNAH11-related conditions. For these reasons, this variant has been classified as Pathogenic.

Literature cited by the submitters: PubMed 18022865; PubMed 20513915; PubMed 22184204.

NM_001277115.2(DNAH11):c.12871_12872del (p.Arg4291fs)

Gene: DNAH11 (dynein axonemal heavy chain 11; plus strand). Cytogenetic location: 7p15.3.
Variant type: Microsatellite.
Coding change: c.12871_12872del on transcript NM_001277115.2 (MANE Select); coding-DNA positions 12871 to 12872, 2 bases deleted (AG; older notation c.12871_12872delAG).
Protein change: p.Arg4291fs; shifts the reading frame from arginine 4291.
Molecular consequence: frameshift variant.
Genome position (GRCh38, 1-based): chr7:21,894,743-21,894,744, AG deleted; deleting any 2 consecutive bases within chr7:21,894,740-21,894,744 gives the same sequence; the c. name uses the placement nearest the transcript's 3' end. VCF-style (leftmost placement, unchanged base first): chr7-21894739-TGA-T. GRCh37 (hg19) VCF-style: chr7-21934357-TGA-T.
Other names: c.12890_12891AG[1], p.Arg4298Aspfs (NM_003777.3); short protein forms R4291fs.
Identifiers: ClinVar variation 2142125 (VCV002142125.4), dbSNP rs1373906090, ClinGen allele CA573293124.
Genomic context (GRCh38, chr7:21,894,739, plus strand): 5'-AGAGATAATGCAAAAAAATTCAAATAGAAGCCCATATGTTCTTGTTTGCTTCCAAGAATG[TGA>T]GAGGATGAATATTCTCATTCGGGAAATACGTATATCACTTGAACAACTGGACCTTAGTTT-3'